The following is an entry in ClinVar:

ClinVar aggregate classification (germline): Uncertain significance (1 of 4 stars; one submission).

Submission:

Labcorp Genetics (formerly Invitae), Labcorp
Classification: Uncertain significance. Last evaluated: 2022-11-28. Review status: criteria provided, single submitter. Criteria: Invitae Variant Classification Sherloc (09022015). Collection method: clinical testing. Allele origin: germline.
Comment: This variant has not been reported in the literature in individuals affected with BICC1-related conditions. This variant is not present in population databases (gnomAD no frequency). This sequence change replaces alanine, which is neutral and non-polar, with threonine, which is neutral and polar, at codon 741 of the BICC1 protein (p.Ala741Thr). This variant also falls at the last nucleotide of exon 16, which is part of the consensus splice site for this exon. Algorithms developed to predict the effect of missense changes on protein structure and function are either unavailable or do not agree on the potential impact of this missense change (SIFT: "Deleterious"; PolyPhen-2: "Possibly Damaging"; Align-GVGD: "Class C0"). Variants that disrupt the consensus splice site are a relatively common cause of aberrant splicing (PMID: 17576681, 9536098). In summary, the available evidence is currently insufficient to determine the role of this variant in disease. Therefore, it has been classified as a Variant of Uncertain Significance.

Literature cited by the submitters: PubMed 17576681; PubMed 9536098.

NM_001080512.3(BICC1):c.2221G>A (p.Ala741Thr)

Gene: BICC1 (BicC family RNA binding protein 1; plus strand). Cytogenetic location: 10q21.1.
Variant type: single nucleotide variant.
Coding change: c.2221G>A on transcript NM_001080512.3 (MANE Select); coding-DNA position 2221, G replaced by A.
Protein change: p.Ala741Thr; replaces alanine 741 with threonine.
Molecular consequence: missense variant.
Genome position (GRCh38, 1-based): chr10:58,806,623, G>A. VCF-style: chr10-58806623-G-A. GRCh37 (hg19) VCF-style: chr10-60566383-G-A.
Other names: short protein forms A741T.
Identifiers: ClinVar variation 2817147 (VCV002817147.3), dbSNP rs2492135906, ClinGen allele CA376979029.
Genomic context (GRCh38, chr10:58,806,623, plus strand): 5'-TATTTTCTGTTTCATTTTCAGGCATTTGACTATGAACAGAAGAAGCTATTAGCCACCAAA[G>A]GTATGTAATACACTAATAACTTACACTTGACTATATTTTAGTACACTCATAAATGTTTTT-3'
Protein context (NP_001073981.1, residues 731-751): YEQKKLLATK[Ala741Thr]MLKKPVVTEV